The following is an entry in ClinVar:

ClinVar aggregate classification (germline): Uncertain significance (1 of 4 stars; one submission).

Conditions:
GM3 synthase deficiency (SPDRS). Also called: SALT AND PEPPER MENTAL RETARDATION SYNDROME; SALT AND PEPPER DEVELOPMENTAL REGRESSION SYNDROME; AMISH INFANTILE EPILEPSY SYNDROME. Identifiers: Orphanet 171714, Orphanet 370933, MedGen C1836824, MONDO:0018274, OMIM 609056.

Submission:

Labcorp Genetics (formerly Invitae), Labcorp
Classification: Uncertain significance for Amish infantile epilepsy syndrome. Last evaluated: 2018-04-09. Review status: criteria provided, single submitter. Criteria: Invitae Variant Classification Sherloc (09022015). Collection method: clinical testing. Allele origin: germline.
Comment: This variant results in a copy number gain of the genomic region encompassing the full coding sequence of the ST3GAL5 gene. The boundaries of this event are unknown as they extend beyond the assayed region for this gene and therefore may encompass additional genes. As the precise location of this event is unknown, it may be in tandem or it may be located elsewhere in the genome. This variant has not been reported in the literature in individuals with ST3GAL5-related disease. In summary, the available evidence is currently insufficient to determine the role of this variant in disease. Therefore, it has been classified as a Variant of Uncertain Significance.

NC_000002.11:g.(?_86067247)_(86116048_?)dup

Genes: ST3GAL5 (ST3 beta-galactoside alpha-2,3-sialyltransferase 5; minus strand), LOC129934233 (ATAC-STARR-seq lymphoblastoid active region 16143; plus strand), LOC129934234 (ATAC-STARR-seq lymphoblastoid active region 16144; plus strand), LOC129934232 (ATAC-STARR-seq lymphoblastoid active region 16142; plus strand), LOC129934235 (ATAC-STARR-seq lymphoblastoid active region 16145; plus strand) and 4 more. Cytogenetic location: 2p11.2.
Variant type: Duplication.
Identifiers: ClinVar variation 584076 (VCV000584076.1).